The following is an entry in ClinVar:

NM_003718.5(CDK13):c.3480G>T (p.Gln1160His)

Gene: CDK13 (cyclin dependent kinase 13; plus strand). Cytogenetic location: 7p14.1.
Variant type: single nucleotide variant.
Coding change: c.3480G>T on transcript NM_003718.5 (MANE Select); coding-DNA position 3480, G replaced by T.
Protein change: p.Gln1160His; replaces glutamine 1160 with histidine.
Molecular consequence: missense variant.
Genome position (GRCh38, 1-based): chr7:40,093,029, G>T. VCF-style: chr7-40093029-G-T. GRCh37 (hg19) VCF-style: chr7-40132628-G-T.
Other names: c.3300G>T, p.Gln1100His (NM_031267.4); short protein forms Q1100H, Q1160H.
Identifiers: ClinVar variation 1310143 (VCV001310143.3), dbSNP rs2150547417, ClinGen allele CA367295107.

ClinVar aggregate classification (germline): Uncertain significance (1 of 4 stars; one submission).

Submission:

GeneDx
Classification: Uncertain significance. Last evaluated: 2022-05-25. Review status: criteria provided, single submitter. Criteria: GeneDx Variant Classification Process June 2021. Collection method: clinical testing. Allele origin: germline. Affected: yes.
Comment: Not observed at significant frequency in large population cohorts (gnomAD); Has not been previously published as pathogenic or benign to our knowledge; In silico analysis supports that this missense variant does not alter protein structure/function